The following is an entry in ClinVar:

ClinVar aggregate classification (germline): Uncertain significance. Review status: criteria provided, multiple submitters, no conflicts (2 of 4 stars). 2 submissions from 2 submitters: Uncertain significance (2). Last evaluated 2025-07-04.

Conditions:
Leber congenital amaurosis 7 (LCA7). Identifiers: Orphanet 65, MedGen C3151192, MONDO:0013449, OMIM 613829.
Cone-rod dystrophy 2 (CORD2). Also called: CONE-ROD RETINAL DYSTROPHY; Cone-rod retinal dystrophy 2. Identifiers: Orphanet 1872, MedGen C3489532, MONDO:0007362, OMIM 120970.

Allele frequency attached by ClinVar (database versions not stated): gnomAD 0.00001; gnomAD exomes 0.00001.
gnomAD v4.1: 13 of 1,613,296 alleles (0.00081%); highest among the groups gnomAD compares: Non-Finnish European, 0.001%; no homozygotes.

Submissions (2):

Labcorp Genetics (formerly Invitae), Labcorp
Classification: Uncertain significance for Cone-rod dystrophy 2; Leber congenital amaurosis 7. Last evaluated: 2025-07-04. Review status: criteria provided, single submitter. Criteria: Invitae Variant Classification Sherloc (09022015). Collection method: clinical testing. Allele origin: germline.
Comment: This sequence change replaces arginine, which is basic and polar, with serine, which is neutral and polar, at codon 126 of the CRX protein (p.Arg126Ser). This variant is present in population databases (no rsID available, gnomAD 0.003%). This variant has not been reported in the literature in individuals affected with CRX-related conditions. ClinVar contains an entry for this variant (Variation ID: 867106). Invitae Evidence Modeling of protein sequence and biophysical properties (such as structural, functional, and spatial information, amino acid conservation, physicochemical variation, residue mobility, and thermodynamic stability) indicates that this missense variant is not expected to disrupt CRX protein function with a negative predictive value of 95%. In summary, the available evidence is currently insufficient to determine the role of this variant in disease. Therefore, it has been classified as a Variant of Uncertain Significance.

Blueprint Genetics
Classification: Uncertain significance. Last evaluated: 2019-03-06. Review status: criteria provided, single submitter. Criteria: ACMG Guidelines, 2015. Collection method: clinical testing. Allele origin: germline.

NM_000554.6(CRX):c.378A>C (p.Arg126Ser)

Gene: CRX (cone-rod homeobox; plus strand). Cytogenetic location: 19q13.33.
Variant type: single nucleotide variant.
Coding change: c.378A>C on transcript NM_000554.6 (MANE Select); coding-DNA position 378, A replaced by C.
Protein change: p.Arg126Ser; replaces arginine 126 with serine.
Molecular consequence: missense variant.
Genome position (GRCh38, 1-based): chr19:47,839,445, A>C. VCF-style: chr19-47839445-A-C. GRCh37 (hg19) VCF-style: chr19-48342702-A-C.
Other names: short protein forms R126S.
Identifiers: ClinVar variation 867106 (VCV000867106.3), dbSNP rs1311901864, ClinGen allele CA406630523.